The following is an entry in ClinVar:

NM_000441.2(SLC26A4):c.493A>G (p.Ser165Gly)

Gene: SLC26A4 (solute carrier family 26 member 4; plus strand). Cytogenetic location: 7q22.3.
Variant type: single nucleotide variant.
Coding change: c.493A>G on transcript NM_000441.2 (MANE Select); coding-DNA position 493, A replaced by G.
Protein change: p.Ser165Gly; replaces serine 165 with glycine.
Molecular consequence: missense variant.
Genome position (GRCh38, 1-based): chr7:107,674,241, A>G. VCF-style: chr7-107674241-A-G. GRCh37 (hg19) VCF-style: chr7-107314686-A-G.
Other names: short protein forms S165G.
Identifiers: ClinVar variation 3369705 (VCV003369705.2).

ClinVar aggregate classification (germline): Uncertain significance. Review status: criteria provided, multiple submitters, no conflicts (2 of 4 stars). 2 submissions from 2 submitters: Uncertain significance (2). Last evaluated 2025-05-30.

Conditions:
Inborn genetic diseases. Identifiers: MedGen C0950123, MeSH D030342.

gnomAD v4.1: 5 of 1,614,036 alleles (0.00031%); highest among the groups gnomAD compares: African/African-American, 0.004%; no homozygotes.

Submissions (2):

Ambry Genetics
Classification: Uncertain significance for Inborn genetic diseases. Last evaluated: 2025-05-30. Review status: criteria provided, single submitter. Criteria: Ambry Variant Classification Scheme 2023. Collection method: clinical testing. Allele origin: germline.

GeneDx
Classification: Uncertain significance. Last evaluated: 2024-02-27. Review status: criteria provided, single submitter. Criteria: GeneDx Variant Classification Process June 2021. Collection method: clinical testing. Allele origin: germline. Affected: yes.
Comment: Not observed at significant frequency in large population cohorts (gnomAD); In silico analysis supports that this missense variant does not alter protein structure/function; Has not been previously published as pathogenic or benign to our knowledge